The following is an entry in ClinVar:

ClinVar aggregate classification (germline): Conflicting classifications of pathogenicity. Review status: criteria provided, conflicting classifications (1 of 4 stars). 8 submissions from 8 submitters: Uncertain significance (1); Benign (4); Likely benign (2). 1 of the submissions does not count toward it. Last evaluated 2026-06-01.

Conditions:
RELN-related disorder. Also called: RELN-related condition.
Familial temporal lobe epilepsy 7. Identifiers: Orphanet 101046, MedGen C4225327, MONDO:0014639, OMIM 616436.
Norman-Roberts syndrome (LIS2). Also called: Lissencephaly 2 (Norman-Roberts type). Identifiers: Orphanet 89844, MedGen C0796089, MONDO:0009760, OMIM 257320.

Allele frequency attached by ClinVar (database versions not stated): gnomAD exomes 0.00033 and 0.00084; ExAC 0.00108; 1000 Genomes Project 0.00319; gnomAD 0.00331 and 0.00354; ESP Exome Variant Server 0.00377; TOPMed 0.00377; 1000 Genomes Project 30x 0.00406.
gnomAD v4.1: 1,004 of 1,614,140 alleles (0.062%); highest among the groups gnomAD compares: African/African-American, 1.2%; 11 homozygotes.

Submissions (8):

CeGaT Center for Human Genetics Tuebingen
Classification: Likely benign. Last evaluated: 2026-06-01. Review status: criteria provided, single submitter. Criteria: CeGaT Center For Human Genetics Tuebingen Variant Classification Criteria Version 2. Collection method: clinical testing. Allele origin: germline. Affected: yes. Observed: 3 variant alleles.
Comment: RELN: BP4

Labcorp Genetics (formerly Invitae), Labcorp
Classification: Benign for Familial temporal lobe epilepsy 7; Norman-Roberts syndrome. Last evaluated: 2026-01-26. Review status: criteria provided, single submitter. Criteria: Invitae Variant Classification Sherloc (09022015). Collection method: clinical testing. Allele origin: germline.

ARUP Laboratories, Molecular Genetics and Genomics, ARUP Laboratories
Classification: Likely benign. Last evaluated: 2024-06-06. Review status: criteria provided, single submitter. Criteria: ARUP Molecular Germline Variant Investigation Process 2024. Collection method: clinical testing. Allele origin: germline.

Illumina Laboratory Services, Illumina
Classification: Benign for Norman-Roberts syndrome. Last evaluated: 2018-01-12. Review status: criteria provided, single submitter. Criteria: ICSL Variant Classification Criteria 13 December 2019. Collection method: clinical testing. Allele origin: germline.
Comment: This variant was observed in the ICSL laboratory as part of a predisposition screen in an ostensibly healthy population. It had not been previously curated by ICSL or reported in the Human Gene Mutation Database (HGMD: prior to June 1st, 2018), and was therefore a candidate for classification through an automated scoring system. Utilizing variant allele frequency, disease prevalence and penetrance estimates, and inheritance mode, an automated score was calculated to assess if this variant is too frequent to cause the disease. Based on the score and internal cut-off values, a variant classified as benign is not then subjected to further curation. The score for this variant resulted in a classification of benign for this disease.

Athena Diagnostics
Classification: Uncertain significance. Last evaluated: 2017-04-26. Review status: criteria provided, single submitter. Criteria: Athena Diagnostics Criteria. Collection method: clinical testing. Allele origin: germline.

GeneDx
Classification: Benign. Last evaluated: 2017-02-07. Review status: criteria provided, single submitter. Criteria: GeneDx Variant Classification (06012015). Collection method: clinical testing. Allele origin: germline. Affected: yes.
Comment: This variant is considered likely benign or benign based on one or more of the following criteria: it is a conservative change, it occurs at a poorly conserved position in the protein, it is predicted to be benign by multiple in silico algorithms, and/or has population frequency not consistent with disease.

Genetic Services Laboratory, University of Chicago
Classification: Benign. Last evaluated: 2015-11-11. Review status: criteria provided, single submitter. Criteria: ACMG Guidelines, 2015. Collection method: clinical testing. Allele origin: germline. Affected: no.

PreventionGenetics, part of Exact Sciences
Classification: Benign for RELN-related condition. Last evaluated: 2019-06-14. Review status: no assertion criteria provided. Collection method: clinical testing. Allele origin: germline. Not counted in ClinVar's aggregate classification.
Comment: This variant is classified as benign based on ACMG/AMP sequence variant interpretation guidelines (Richards et al. 2015 PMID: 25741868, with internal and published modifications).

NM_005045.4(RELN):c.7538C>G (p.Ser2513Cys)

Gene: RELN (reelin; minus strand). Cytogenetic location: 7q22.1.
Variant type: single nucleotide variant.
Coding change: c.7538C>G on transcript NM_005045.4 (MANE Select); coding-DNA position 7538, C replaced by G.
Protein change: p.Ser2513Cys; replaces serine 2513 with cysteine.
Molecular consequence: missense variant.
Genome position (GRCh38, 1-based): chr7:103,522,152, G>C on the plus strand (C>G on the coding strand, the complement: RELN is on the minus strand). VCF-style: chr7-103522152-G-C. GRCh37 (hg19) VCF-style: chr7-103162599-G-C.
Other names: c.7538C>G, p.Ser2513Cys (NM_173054.3); short protein forms S2513C.
Identifiers: ClinVar variation 212046 (VCV000212046.44), dbSNP rs114647348, ClinGen allele CA206583.